The following is an entry in ClinVar:

ClinVar aggregate classification (germline): Uncertain significance (1 of 4 stars; one submission).

Conditions:
Hereditary cancer-predisposing syndrome. Also called: Neoplastic Syndromes, Hereditary; Tumor predisposition; Hereditary Cancer Syndrome; Hereditary neoplastic syndrome. Identifiers: Orphanet 140162, MedGen C0027672, MeSH D009386, MONDO:0015356.

Submission:

Ambry Genetics
Classification: Uncertain significance for Hereditary cancer-predisposing syndrome. Last evaluated: 2026-02-09. Review status: criteria provided, single submitter. Criteria: Ambry Variant Classification Scheme 2023. Collection method: clinical testing. Allele origin: germline.
Comment: The c.-5C>T variant is located in the 5' untranslated region (5&rsquo; UTR) of the CTNNA1 gene. This variant results from a C to T substitution 5 bases upstream from the first translated codon. This nucleotide position is highly conserved in available vertebrate species. In silico splice site analysis predicts that this alteration will result in the creation or strengthening of a novel splice donor site; however, direct evidence is insufficient at this time (Ambry internal data). Based on the available evidence, the clinical significance of this variant remains unclear.

NM_001903.5(CTNNA1):c.-5C>T

Genes: CTNNA1-AS1 (CTNNA1 antisense RNA 1; minus strand), CTNNA1 (catenin alpha 1; plus strand). Cytogenetic location: 5q31.2.
Variant type: single nucleotide variant.
Coding change: c.-5C>T on transcript NM_001903.5 (MANE Select); 5 bases upstream of the start codon, C replaced by T.
Molecular consequence: 5 prime UTR variant.
Genome position (GRCh38, 1-based): chr5:138,753,508, C>T. VCF-style: chr5-138753508-C-T. GRCh37 (hg19) VCF-style: chr5-138089197-C-T.
Other names: c.-5C>T (NM_001290307.3, NM_001323985.2, NM_001323986.2); c.-118C>T (NM_001290309.3); c.-211C>T (NM_001290310.3); c.-475C>T (NM_001323982.2); c.-23C>T (NM_001323984.2).
Identifiers: ClinVar variation 4841642 (VCV004841642.1).